The following is an entry in ClinVar:

NM_002206.3(ITGA7):c.2162T>C (p.Leu721Pro)

Genes: ITGA7 (integrin subunit alpha 7; minus strand), LOC126861535 (CDK7 strongly-dependent group 2 enhancer GRCh37_chr12:56087579-56088778; plus strand). Cytogenetic location: 12q13.2.
Variant type: single nucleotide variant.
Coding change: c.2162T>C on transcript NM_002206.3 (MANE Select); coding-DNA position 2162, T replaced by C.
Protein change: p.Leu721Pro; replaces leucine 721 with proline.
Molecular consequence: missense variant.
Genome position (GRCh38, 1-based): chr12:55,694,812, A>G on the plus strand (T>C on the coding strand, the complement: ITGA7 is on the minus strand). VCF-style: chr12-55694812-A-G. GRCh37 (hg19) VCF-style: chr12-56088596-A-G.
Other names: c.2174T>C, p.Leu725Pro (NM_001144996.2); c.1883T>C, p.Leu628Pro (NM_001144997.2); c.1835T>C, p.Leu612Pro (NM_001367993.1); c.818T>C, p.Leu273Pro (NM_001367994.1); c.2144T>C, p.Leu715Pro (NM_001374465.1); c.2294T>C, p.Leu765Pro (NM_001410977.1); c.2156T>C, p.Leu719Pro (NM_001414029.1); c.2087T>C, p.Leu696Pro (NM_001414030.1); and 4 more; short protein forms L628P, L721P, L273P, L725P, L612P, L715P, L765P, L608P.
Identifiers: ClinVar variation 581106 (VCV000581106.9), dbSNP rs1565622175, ClinGen allele CA385183825.

ClinVar aggregate classification (germline): Uncertain significance (1 of 4 stars; one submission).

Conditions:
Congenital muscular dystrophy due to integrin alpha-7 deficiency. Also called: MYOPATHY, CONGENITAL, DUE TO INTEGRIN ALPHA-7 DEFICIENCY; Congenital muscular dystrophy with integrin alpha-7 deficiency; Muscular dystrophy, congenital, due to ITGA7 deficiency. Identifiers: Orphanet 34520, MedGen C2750786, MONDO:0013177, OMIM 613204.

Allele frequency attached by ClinVar (database versions not stated): gnomAD exomes below 0.00001.
gnomAD v4.1: 1 of 1,613,464 alleles (0.000062%); highest among the groups gnomAD compares: Non-Finnish European, 0.000085%; no homozygotes.

Submission:

Labcorp Genetics (formerly Invitae), Labcorp
Classification: Uncertain significance for Congenital muscular dystrophy due to integrin alpha-7 deficiency. Last evaluated: 2018-06-25. Review status: criteria provided, single submitter. Criteria: Invitae Variant Classification Sherloc (09022015). Collection method: clinical testing. Allele origin: germline.
Comment: This variant has not been reported in the literature in individuals with ITGA7-related disease. In summary, the available evidence is currently insufficient to determine the role of this variant in disease. Therefore, it has been classified as a Variant of Uncertain Significance. Algorithms developed to predict the effect of missense changes on protein structure and function are either unavailable or do not agree on the potential impact of this missense change (SIFT: "Deleterious"; PolyPhen-2: "Probably Damaging"; Align-GVGD: "Class C0"). This variant is not present in population databases (ExAC no frequency). This sequence change replaces leucine with proline at codon 721 of the ITGA7 protein (p.Leu721Pro). The leucine residue is moderately conserved and there is a moderate physicochemical difference between leucine and proline.